The following is an entry in ClinVar:

ClinVar aggregate classification (germline): Uncertain significance. Review status: criteria provided, multiple submitters, no conflicts (2 of 4 stars). 5 submissions from 5 submitters: Uncertain significance (5). Last evaluated 2025-12-26.

Conditions:
Usher syndrome type 1D (USH1D). Also called: USHER SYNDROME, TYPE ID. Identifiers: Orphanet 231169, Orphanet 886, MedGen C1832845, MONDO:0010984, OMIM 601067.
Usher syndrome type 1F (USH1F). Also called: USHER SYNDROME, TYPE IF. Identifiers: Orphanet 231169, Orphanet 886, MedGen C1865885, MONDO:0011186, OMIM 602083.
Autosomal recessive nonsyndromic hearing loss 23. Identifiers: Orphanet 90636, MedGen C1836027, MONDO:0012293, OMIM 609533.
PCDH15-related disorder. Also called: PCDH15-related disorders; PCDH15-related condition.

Allele frequency attached by ClinVar (database versions not stated): ExAC 0.00001; gnomAD 0.00001; TOPMed 0.00002.
gnomAD v4.1: 31 of 1,614,016 alleles (0.0019%); highest among the groups gnomAD compares: Middle Eastern, 0.016%; no homozygotes.

Submissions (5):

PreventionGenetics, part of Exact Sciences
Classification: Uncertain significance for PCDH15-related condition. Last evaluated: 2025-12-26. Review status: criteria provided, single submitter. Criteria: ACMG Guidelines, 2015. Collection method: clinical testing. Allele origin: germline.
Comment: The PCDH15 c.4246C>A variant is predicted to result in the amino acid substitution p.Gln1416Lys. This variant was previously reported, along with a second potentially causative variant, in a large cohort of individuals with hearing loss (supplementary data, reported as c.4261C>A in Sloan-Heggen et al. 2016. PubMed ID: 26969326). This variant is reported in 0.0027% of alleles in individuals of European (Non-Finnish) descent in gnomAD. At this time, the clinical significance of this variant is uncertain due to the absence of conclusive functional and genetic evidence.

Blueprint Genetics
Classification: Uncertain significance. Last evaluated: 2024-05-07. Review status: criteria provided, single submitter. Criteria: ACMG Guidelines, 2015. Collection method: clinical testing. Allele origin: germline.

Broad Center for Mendelian Genomics, Broad Institute of MIT and Harvard
Classification: Uncertain significance for Usher syndrome type 1F. Last evaluated: 2023-01-24. Review status: criteria provided, single submitter. Criteria: ACMG Guidelines, 2015. Collection method: curation. Allele origin: germline. Inheritance: Autosomal recessive inheritance.
Comment: The p.Gln1416Lys variant in PCDH15 has been reported in 1 individual, in the compound heterozygous state, with Usher syndrome type 1F (PMID: 26969326) and has been identified in 0.003% (3/111390) of European (non-Finnish) chromosomes by the Genome Aggregation Database (gnomAD; dbSNP ID: rs765215862). Although this variant has been seen in the general population in a heterozygous state, its frequency is low enough to be consistent with a recessive carrier frequency. Computational prediction tools, including splice predictors, and conservation analyses suggest that this variant may not impact the protein, though this information is not predictive enough to rule out pathogenicity. In summary, the clinical significance of the p.Gln1416Lys variant is uncertain. ACMG/AMP Criteria applied: BP4, PM2_supporting (Richards 2015).

Labcorp Genetics (formerly Invitae), Labcorp
Classification: Uncertain significance. Last evaluated: 2022-08-22. Review status: criteria provided, single submitter. Criteria: Invitae Variant Classification Sherloc (09022015). Collection method: clinical testing. Allele origin: germline.
Comment: This sequence change replaces glutamine, which is neutral and polar, with lysine, which is basic and polar, at codon 1416 of the PCDH15 protein (p.Gln1416Lys). This variant is present in population databases (rs765215862, gnomAD 0.003%). This missense change has been observed in individual(s) with inherited retinal dystrophy (Invitae). This variant is also known as c.4261C>A (p.Gln1421Lys). ClinVar contains an entry for this variant (Variation ID: 1406208). Algorithms developed to predict the effect of missense changes on protein structure and function are either unavailable or do not agree on the potential impact of this missense change (SIFT: "Tolerated"; PolyPhen-2: "Possibly Damaging"; Align-GVGD: "Class C0"). In summary, the available evidence is currently insufficient to determine the role of this variant in disease. Therefore, it has been classified as a Variant of Uncertain Significance.

Fulgent Genetics
Classification: Uncertain significance for Usher syndrome type 1D; Usher syndrome type 1F; Autosomal recessive nonsyndromic hearing loss 23. Last evaluated: 2021-08-12. Review status: criteria provided, single submitter. Criteria: ACMG Guidelines, 2015. Collection method: clinical testing. Allele origin: unknown.

NM_001384140.1(PCDH15):c.4246C>A (p.Gln1416Lys)

Gene: PCDH15 (protocadherin related 15; minus strand). Cytogenetic location: 10q21.1.
Variant type: single nucleotide variant.
Coding change: c.4246C>A on transcript NM_001384140.1 (MANE Select); coding-DNA position 4246, C replaced by A.
Protein change: p.Gln1416Lys; replaces glutamine 1416 with lysine.
Molecular consequence: missense variant.
Genome position (GRCh38, 1-based): chr10:53,827,514, G>T on the plus strand (C>A on the coding strand, the complement: PCDH15 is on the minus strand). VCF-style: chr10-53827514-G-T. GRCh37 (hg19) VCF-style: chr10-55587274-G-T.
Other names: NM_001384140.1:c.4246C>A; c.4261C>A, p.Gln1421Lys (NM_001142771.2, NM_001142763.2); c.4246C>A, p.Gln1416Lys (NM_001142772.2, NM_001354420.2, NM_001354429.2 and 3 more transcripts); c.4171C>A, p.Gln1391Lys (NM_001142773.2); c.4180C>A, p.Gln1394Lys (NM_001354404.2, NM_001142768.2); c.4267C>A, p.Gln1423Lys (NM_001354411.2); c.4237C>A, p.Gln1413Lys (NM_001142766.2); c.4126C>A, p.Gln1376Lys (NM_001142767.2); and 3 more; short protein forms Q1391K, Q1394K, Q1413K, Q1345K, Q1416K, Q1428K, Q1376K, Q1421K.
Identifiers: ClinVar variation 1406208 (VCV001406208.6), dbSNP rs765215862, ClinGen allele CA5505391.